The following is an entry in ClinVar:

ClinVar aggregate classification (germline): Uncertain significance (1 of 4 stars; one submission).

Conditions:
PCNT-related disorder. Also called: PCNT-related condition.

gnomAD v4.1: 3 of 1,603,326 alleles (0.00019%); highest among the groups gnomAD compares: African/African-American, 0.0027%; no homozygotes.

Submission:

PreventionGenetics, part of Exact Sciences
Classification: Uncertain significance for PCNT-related condition. Last evaluated: 2025-07-09. Review status: criteria provided, single submitter. Criteria: ACMG Guidelines, 2015. Collection method: clinical testing. Allele origin: germline.
Comment: The PCNT c.6860T>C variant is predicted to result in the amino acid substitution p.Leu2287Pro. To our knowledge, this variant has not been reported in the literature or in a large population database (gnomAD), indicating this variant is rare. At this time, the clinical significance of this variant is uncertain due to the absence of conclusive functional and genetic evidence.

NM_006031.6(PCNT):c.6860T>C (p.Leu2287Pro)

Gene: PCNT (pericentrin; plus strand). Cytogenetic location: 21q22.3.
Variant type: single nucleotide variant.
Coding change: c.6860T>C on transcript NM_006031.6 (MANE Select); coding-DNA position 6860, T replaced by C.
Protein change: p.Leu2287Pro; replaces leucine 2287 with proline.
Molecular consequence: missense variant.
Genome position (GRCh38, 1-based): chr21:46,416,778, T>C. VCF-style: chr21-46416778-T-C. GRCh37 (hg19) VCF-style: chr21-47836692-T-C.
Other names: c.6506T>C, p.Leu2169Pro (NM_001315529.2); short protein forms L2169P, L2287P.
Identifiers: ClinVar variation 4986297 (VCV004986297.1).